The following is an entry in ClinVar:

ClinVar aggregate classification (germline): Likely benign. Review status: criteria provided, multiple submitters, no conflicts (2 of 4 stars). 2 submissions from 2 submitters: Likely benign (2). Last evaluated 2025-07-01.

Conditions:
GSDME-related disorder. Also called: GSDME-related condition.

Allele frequency attached by ClinVar (database versions not stated): TOPMed 0.00003.

Submissions (2):

PreventionGenetics, part of Exact Sciences
Classification: Likely benign for GSDME-related condition. Last evaluated: 2025-07-01. Review status: criteria provided, single submitter. Criteria: ACMG Guidelines, 2015. Collection method: clinical testing. Allele origin: germline.
Comment: This variant is classified as likely benign based on ACMG/AMP sequence variant interpretation guidelines (Richards et al. 2015 PMID: 25741868, with internal and published modifications).

Labcorp Genetics (formerly Invitae), Labcorp
Classification: Likely benign. Last evaluated: 2024-12-24. Review status: criteria provided, single submitter. Criteria: Invitae Variant Classification Sherloc (09022015). Collection method: clinical testing. Allele origin: germline.

NM_001127453.2(GSDME):c.900G>A (p.Ala300=)

Gene: GSDME (gasdermin E; minus strand). Cytogenetic location: 7p15.3.
Variant type: single nucleotide variant.
Coding change: c.900G>A on transcript NM_001127453.2 (MANE Select); coding-DNA position 900, G replaced by A.
Protein change: p.Ala300=; no amino-acid change (alanine 300 retained).
Molecular consequence: synonymous variant.
Genome position (GRCh38, 1-based): chr7:24,708,217, C>T on the plus strand (G>A on the coding strand, the complement: GSDME is on the minus strand). VCF-style: chr7-24708217-C-T. GRCh37 (hg19) VCF-style: chr7-24747836-C-T.
Other names: c.900G>A (NM_004403.2); c.408G>A, p.Ala136= (NM_001127454.2); c.900G>A, p.Ala300= (NM_004403.3).
Identifiers: ClinVar variation 1680834 (VCV001680834.8), dbSNP rs200810724, ClinGen allele CA4191509.